The following is an entry in ClinVar:

NM_001042492.3(NF1):c.7790C>T (p.Ser2597Leu)

Gene: NF1 (neurofibromin 1; plus strand). Cytogenetic location: 17q11.2.
Variant type: single nucleotide variant.
Coding change: c.7790C>T on transcript NM_001042492.3 (MANE Select); coding-DNA position 7790, C replaced by T.
Protein change: p.Ser2597Leu; replaces serine 2597 with leucine.
Molecular consequence: missense variant.
Genome position (GRCh38, 1-based): chr17:31,357,011, C>T. VCF-style: chr17-31357011-C-T. GRCh37 (hg19) VCF-style: chr17-29684029-C-T.
Other names: c.7727C>T, p.Ser2576Leu (NM_000267.4); short protein forms S2597L, S2576L.
Identifiers: ClinVar variation 3697651 (VCV003697651.2).
Genomic context (GRCh38, chr17:31,357,011, plus strand): 5'-TTGCTGCAGAAACTCAGAGGATTTCCTCATCACAACAGCACCCACATTTACGTAAAGTTT[C>T]AGTGTCTGAATCAAATGTTCTCTTGGATGAAGAAGTACTTACTGATCCGAAGATCCAGGC-3'
Protein context (NP_001035957.1, residues 2587-2607): SQQHPHLRKV[Ser2597Leu]VSESNVLLDE

ClinVar aggregate classification (germline): Uncertain significance (1 of 4 stars; one submission).

Conditions:
Neurofibromatosis, type 1 (NF1). Also called: Peripheral type neurofibromatosis; Neurofibromatosis, type I; VON RECKLINGHAUSEN DISEASE; NEUROFIBROMATOSIS, TYPE I, SOMATIC. Identifiers: Orphanet 636, MedGen C0027831, MONDO:0018975, OMIM 162200. Disease mechanism: loss of function.

Submission:

Labcorp Genetics (formerly Invitae), Labcorp
Classification: Uncertain significance for Neurofibromatosis, type 1. Last evaluated: 2024-12-26. Review status: criteria provided, single submitter. Criteria: Invitae Variant Classification Sherloc (09022015). Collection method: clinical testing. Allele origin: germline.
Comment: This sequence change replaces serine, which is neutral and polar, with leucine, which is neutral and non-polar, at codon 2576 of the NF1 protein (p.Ser2576Leu). This variant is not present in population databases (gnomAD no frequency). This variant has not been reported in the literature in individuals affected with NF1-related conditions. Invitae Evidence Modeling of protein sequence and biophysical properties (such as structural, functional, and spatial information, amino acid conservation, physicochemical variation, residue mobility, and thermodynamic stability) has been performed for this missense variant. However, the output from this modeling did not meet the statistical confidence thresholds required to predict the impact of this variant on NF1 protein function. In summary, the available evidence is currently insufficient to determine the role of this variant in disease. Therefore, it has been classified as a Variant of Uncertain Significance.